The following is an entry in ClinVar:

NM_001297595.2(SIN3B):c.381+1G>A

Gene: SIN3B (SIN3 transcription regulator family member B; plus strand). Cytogenetic location: 19p13.11.
Variant type: single nucleotide variant.
Coding change: c.381+1G>A on transcript NM_001297595.2 (MANE Select); the canonical splice donor site of the intron after coding-DNA position 381, G replaced by A.
Molecular consequence: splice donor variant.
Genome position (GRCh38, 1-based): chr19:16,831,648, G>A. VCF-style: chr19-16831648-G-A. GRCh37 (hg19) VCF-style: chr19-16942459-G-A.
Other names: c.381+1G>A (NM_015260.4).
Identifiers: ClinVar variation 1982830 (VCV001982830.4), dbSNP rs2513024635, ClinGen allele CA404637440.

ClinVar aggregate classification (germline): Uncertain significance (1 of 4 stars; one submission).

Submission:

Labcorp Genetics (formerly Invitae), Labcorp
Classification: Uncertain significance. Last evaluated: 2022-07-27. Review status: criteria provided, single submitter. Criteria: Invitae Variant Classification Sherloc (09022015). Collection method: clinical testing. Allele origin: germline.
Comment: In summary, the available evidence is currently insufficient to determine the role of this variant in disease. Therefore, it has been classified as a Variant of Uncertain Significance. Algorithms developed to predict the effect of sequence changes on RNA splicing suggest that this variant may disrupt the consensus splice site. This variant has not been reported in the literature in individuals affected with SIN3B-related conditions. This variant is not present in population databases (gnomAD no frequency). This sequence change affects a donor splice site in intron 3 of the SIN3B gene. It is expected to disrupt RNA splicing. Variants that disrupt the donor or acceptor splice site typically lead to a loss of protein function (PMID: 16199547), however the current clinical and genetic evidence is not sufficient to establish whether loss-of-function variants in SIN3B cause disease.

Literature cited by the submitters: PubMed 16199547.